The following is an entry in ClinVar:

ClinVar aggregate classification (germline): Likely benign (1 of 4 stars; one submission).

gnomAD v4.1: 6 of 1,614,174 alleles (0.00037%); highest among the groups gnomAD compares: Non-Finnish European, 0.00051%; no homozygotes.

Submission:

CeGaT Center for Human Genetics Tuebingen
Classification: Likely benign. Last evaluated: 2025-06-01. Review status: criteria provided, single submitter. Criteria: CeGaT Center For Human Genetics Tuebingen Variant Classification Criteria Version 2. Collection method: clinical testing. Allele origin: germline. Affected: yes. Observed: 1 variant allele.
Comment: TCF20: BP4

NM_001378418.1(TCF20):c.3887T>G (p.Phe1296Cys)

Gene: TCF20 (transcription factor 20; minus strand). Cytogenetic location: 22q13.2.
Variant type: single nucleotide variant.
Coding change: c.3887T>G on transcript NM_001378418.1 (MANE Select); coding-DNA position 3887, T replaced by G.
Protein change: p.Phe1296Cys; replaces phenylalanine 1296 with cysteine.
Molecular consequence: missense variant.
Genome position (GRCh38, 1-based): chr22:42,211,419, A>C on the plus strand (T>G on the coding strand, the complement: TCF20 is on the minus strand). VCF-style: chr22-42211419-A-C. GRCh37 (hg19) VCF-style: chr22-42607425-A-C.
Other names: c.3887T>G, p.Phe1296Cys (NM_005650.4, NM_181492.3); short protein forms F1296C.
Identifiers: ClinVar variation 4085208 (VCV004085208.8).